The following is an entry in ClinVar:

ClinVar aggregate classification (germline): Pathogenic (1 of 4 stars; one submission).

Submission:

Labcorp Genetics (formerly Invitae), Labcorp
Classification: Pathogenic. Last evaluated: 2023-04-17. Review status: criteria provided, single submitter. Criteria: Invitae Variant Classification Sherloc (09022015). Collection method: clinical testing. Allele origin: unknown.
Comment: For these reasons, this variant has been classified as Pathogenic. This variant has not been reported in the literature in individuals affected with BSND-related conditions. A gross deletion of the genomic region encompassing the full coding sequence of the BSND gene has been identified. Loss-of-function variants in BSND are known to be pathogenic (PMID: 11687798). The boundaries of this event are unknown as they extend beyond the assayed region for this gene and therefore may encompass additional genes.

Literature cited by the submitters: PubMed 11687798.

NC_000001.10:g.(?_55464860)_(55505737_?)del

Genes: BSND (barttin CLCNK type accessory subunit beta; plus strand), PCSK9 (proprotein convertase subtilisin/kexin type 9; plus strand). Cytogenetic location: 1p32.3.
Variant type: Deletion.
Identifiers: ClinVar variation 3248022 (VCV003248022.1).